The following is an entry in ClinVar:

NM_001077418.3(TMEM231):c.696C>G (p.Ile232Met)

Gene: TMEM231 (transmembrane protein 231; minus strand). Cytogenetic location: 16q23.1.
Variant type: single nucleotide variant.
Coding change: c.696C>G on transcript NM_001077418.3 (MANE Select); coding-DNA position 696, C replaced by G.
Protein change: p.Ile232Met; replaces isoleucine 232 with methionine.
Molecular consequence: missense variant. On other transcripts: non-coding transcript variant (1).
Genome position (GRCh38, 1-based): chr16:75,541,424, G>C on the plus strand (C>G on the coding strand, the complement: TMEM231 is on the minus strand). VCF-style: chr16-75541424-G-C. GRCh37 (hg19) VCF-style: chr16-75575322-G-C.
Other names: c.855C>G, p.Ile285Met (NM_001077416.2); short protein forms I232M, I285M.
Identifiers: ClinVar variation 2130733 (VCV002130733.4), dbSNP rs778875107, ClinGen allele CA8176070.

ClinVar aggregate classification (germline): Uncertain significance (1 of 4 stars; one submission).

Conditions:
Joubert syndrome 20 (JBTS20). Identifiers: Orphanet 475, MedGen C3554235, MONDO:0013994, OMIM 614970.
Meckel syndrome, type 11 (MKS11). Identifiers: Orphanet 564, MedGen C3809352, MONDO:0014164, OMIM 615397.

Allele frequency attached by ClinVar (database versions not stated): ExAC 0.00001; gnomAD exomes 0.00001; TOPMed 0.00001.
gnomAD v4.1: 3 of 1,612,128 alleles (0.00019%); highest among the groups gnomAD compares: Non-Finnish European, 0.00025%; no homozygotes.

Submission:

Labcorp Genetics (formerly Invitae), Labcorp
Classification: Uncertain significance for Joubert syndrome 20; Meckel syndrome, type 11. Last evaluated: 2022-08-16. Review status: criteria provided, single submitter. Criteria: Invitae Variant Classification Sherloc (09022015). Collection method: clinical testing. Allele origin: germline.
Comment: This variant has not been reported in the literature in individuals affected with TMEM231-related conditions. In summary, the available evidence is currently insufficient to determine the role of this variant in disease. Therefore, it has been classified as a Variant of Uncertain Significance. Algorithms developed to predict the effect of missense changes on protein structure and function are either unavailable or do not agree on the potential impact of this missense change (SIFT: "Deleterious"; PolyPhen-2: "Not Available"; Align-GVGD: "Class C0"). This variant is present in population databases (rs778875107, gnomAD 0.0009%). This sequence change replaces isoleucine, which is neutral and non-polar, with methionine, which is neutral and non-polar, at codon 285 of the TMEM231 protein (p.Ile285Met).